The following is an entry in ClinVar:

ClinVar aggregate classification (germline): Uncertain significance. Review status: criteria provided, multiple submitters, no conflicts (2 of 4 stars). 2 submissions from 2 submitters: Uncertain significance (2). Last evaluated 2025-07-14.

Conditions:
Inborn genetic diseases. Identifiers: MedGen C0950123, MeSH D030342.

Allele frequency attached by ClinVar (database versions not stated): ExAC 0.00002; gnomAD exomes 0.00002; TOPMed 0.00003; gnomAD 0.00004.
gnomAD v4.1: 38 of 1,613,218 alleles (0.0024%); highest among the groups gnomAD compares: Non-Finnish European, 0.003%; no homozygotes.

Submissions (2):

Labcorp Genetics (formerly Invitae), Labcorp
Classification: Uncertain significance. Last evaluated: 2025-07-14. Review status: criteria provided, single submitter. Criteria: Invitae Variant Classification Sherloc (09022015). Collection method: clinical testing. Allele origin: germline.
Comment: This sequence change replaces threonine, which is neutral and polar, with isoleucine, which is neutral and non-polar, at codon 371 of the CLCNKB protein (p.Thr371Ile). This variant is present in population databases (rs201840674, gnomAD 0.003%). This variant has not been reported in the literature in individuals affected with CLCNKB-related conditions. ClinVar contains an entry for this variant (Variation ID: 2469330). Invitae Evidence Modeling of protein sequence and biophysical properties (such as structural, functional, and spatial information, amino acid conservation, physicochemical variation, residue mobility, and thermodynamic stability) indicates that this missense variant is not expected to disrupt CLCNKB protein function with a negative predictive value of 80%. In summary, the available evidence is currently insufficient to determine the role of this variant in disease. Therefore, it has been classified as a Variant of Uncertain Significance.

Ambry Genetics
Classification: Uncertain significance for Inborn genetic diseases. Last evaluated: 2023-03-07. Review status: criteria provided, single submitter. Criteria: Ambry Variant Classification Scheme 2023. Collection method: clinical testing. Allele origin: germline.

NM_000085.5(CLCNKB):c.1112C>T (p.Thr371Ile)

Genes: CLCNKB (chloride voltage-gated channel Kb; plus strand), LOC106501713 (CLCNKB recombination region; plus strand). Cytogenetic location: 1p36.13.
Variant type: single nucleotide variant.
Coding change: c.1112C>T on transcript NM_000085.5 (MANE Select); coding-DNA position 1112, C replaced by T.
Protein change: p.Thr371Ile; replaces threonine 371 with isoleucine.
Molecular consequence: missense variant.
Genome position (GRCh38, 1-based): chr1:16,050,933, C>T. VCF-style: chr1-16050933-C-T. GRCh37 (hg19) VCF-style: chr1-16377428-C-T.
Other names: c.605C>T, p.Thr202Ile (NM_001165945.2); short protein forms T202I, T371I.
Identifiers: ClinVar variation 2469330 (VCV002469330.3), dbSNP rs201840674, ClinGen allele CA623713.
Genomic context (GRCh38, chr1:16,050,933, plus strand): 5'-AGCTGTCCATGAAGCAGCATCTGGACTCGCTGTTCGACAACCACTCCTGGGCGCTGATGA[C>T]CCAGAACTCCAGCCCACCCTGGCCCGAGGAGCTCGACCCCCAGCACCTGTGGTGGGAATG-3'
Protein context (NP_000076.2, residues 361-381): LFDNHSWALM[Thr371Ile]QNSSPPWPEE